The following is an entry in ClinVar:

NM_000368.5(TSC1):c.1558C>T (p.His520Tyr)

Gene: TSC1 (TSC complex subunit 1; minus strand). Cytogenetic location: 9q34.13.
Variant type: single nucleotide variant.
Coding change: c.1558C>T on transcript NM_000368.5 (MANE Select); coding-DNA position 1558, C replaced by T.
Protein change: p.His520Tyr; replaces histidine 520 with tyrosine.
Molecular consequence: missense variant.
Genome position (GRCh38, 1-based): chr9:132,906,020, G>A on the plus strand (C>T on the coding strand, the complement: TSC1 is on the minus strand). VCF-style: chr9-132906020-G-A. GRCh37 (hg19) VCF-style: chr9-135781407-G-A.
Other names: c.1555C>T, p.His519Tyr (NM_001162426.2); c.1405C>T, p.His469Tyr (NM_001162427.2); c.1195C>T, p.His399Tyr (NM_001362177.2); short protein forms H519Y, H520Y, H399Y, H469Y.
Identifiers: ClinVar variation 946392 (VCV000946392.13), dbSNP rs1845649293, ClinGen allele CA375365105.

ClinVar aggregate classification (germline): Uncertain significance. Review status: criteria provided, multiple submitters, no conflicts (2 of 4 stars). 2 submissions from 2 submitters: Uncertain significance (2). Last evaluated 2026-01-15.

Conditions:
Hereditary cancer-predisposing syndrome. Also called: Neoplastic Syndromes, Hereditary; Hereditary neoplastic syndrome; Hereditary Cancer Syndrome; Tumor predisposition. Identifiers: Orphanet 140162, MedGen C0027672, MeSH D009386, MONDO:0015356.
Tuberous sclerosis 1 (TSC1). Identifiers: Orphanet 805, MedGen C1854465, MONDO:0008612, OMIM 191100.

Allele frequency attached by ClinVar (database versions not stated): gnomAD below 0.00001 and 0.00001; gnomAD exomes below 0.00001.

Submissions (2):

Labcorp Genetics (formerly Invitae), Labcorp
Classification: Uncertain significance for Tuberous sclerosis 1. Last evaluated: 2026-01-15. Review status: criteria provided, single submitter. Criteria: Invitae Variant Classification Sherloc (09022015). Collection method: clinical testing. Allele origin: germline.
Comment: This sequence change replaces histidine, which is basic and polar, with tyrosine, which is neutral and polar, at codon 520 of the TSC1 protein (p.His520Tyr). This variant is not present in population databases (gnomAD no frequency). This variant has not been reported in the literature in individuals affected with TSC1-related conditions. ClinVar contains an entry for this variant (Variation ID: 946392). Invitae Evidence Modeling of protein sequence and biophysical properties (such as structural, functional, and spatial information, amino acid conservation, physicochemical variation, residue mobility, and thermodynamic stability) indicates that this missense variant is not expected to disrupt TSC1 protein function with a negative predictive value of 95%. In summary, the available evidence is currently insufficient to determine the role of this variant in disease. Therefore, it has been classified as a Variant of Uncertain Significance.

Ambry Genetics
Classification: Uncertain significance for Hereditary cancer-predisposing syndrome. Last evaluated: 2023-01-22. Review status: criteria provided, single submitter. Criteria: Ambry Variant Classification Scheme 2023. Collection method: clinical testing. Allele origin: germline.
Comment: The p.H520Y variant (also known as c.1558C>T), located in coding exon 13 of the TSC1 gene, results from a C to T substitution at nucleotide position 1558. The histidine at codon 520 is replaced by tyrosine, an amino acid with similar properties. This amino acid position is conserved. In addition, this alteration is predicted to be tolerated by in silico analysis. Since supporting evidence is limited at this time, the clinical significance of this alteration remains unclear.